The following is an entry in ClinVar:

NM_000426.4(LAMA2):c.8570A>G (p.Gln2857Arg)

Gene: LAMA2 (laminin subunit alpha 2; plus strand). Cytogenetic location: 6q22.33.
Variant type: single nucleotide variant.
Coding change: c.8570A>G on transcript NM_000426.4 (MANE Select); coding-DNA position 8570, A replaced by G.
Protein change: p.Gln2857Arg; replaces glutamine 2857 with arginine.
Molecular consequence: missense variant.
Genome position (GRCh38, 1-based): chr6:129,505,222, A>G. VCF-style: chr6-129505222-A-G. GRCh37 (hg19) VCF-style: chr6-129826367-A-G.
Other names: c.8558A>G, p.Gln2853Arg (NM_001079823.2); short protein forms Q2853R, Q2857R.
Identifiers: ClinVar variation 1679639 (VCV001679639.9), dbSNP rs372956200, ClinGen allele CA3994868.

ClinVar aggregate classification (germline): Conflicting classifications of pathogenicity. Review status: criteria provided, conflicting classifications (1 of 4 stars). 3 submissions from 3 submitters: Uncertain significance (2); Likely benign (1). Last evaluated 2025-11-10.

Conditions:
Merosin deficient congenital muscular dystrophy (MDC1A). Also called: Congenital merosin-deficient muscular dystrophy 1A; Congenital Muscular Dystrophy Type 1A (MDC1A). Identifiers: Orphanet 258, MedGen C1263858, MONDO:0011925, OMIM 607855.
Muscular dystrophy, limb-girdle, autosomal recessive 23. Identifiers: Orphanet 565837, MedGen C4748327, MONDO:0029136, OMIM 618138.
LAMA2-related muscular dystrophy (LAMA2-RD). Also called: Laminin alpha 2-related dystrophy. Identifiers: MedGen C5679788, MONDO:0100228.

Allele frequency attached by ClinVar (database versions not stated): gnomAD exomes 0.00001 and 0.00002; ExAC 0.00003; gnomAD 0.00005; TOPMed 0.00007; ESP Exome Variant Server 0.00008; 1000 Genomes Project 30x 0.00031; 1000 Genomes Project 0.00040.
gnomAD v4.1: 17 of 1,613,998 alleles (0.0011%); highest among the groups gnomAD compares: African/African-American, 0.021%; no homozygotes.

Submissions (3):

Labcorp Genetics (formerly Invitae), Labcorp
Classification: Likely benign for LAMA2-related muscular dystrophy. Last evaluated: 2025-11-10. Review status: criteria provided, single submitter. Criteria: Invitae Variant Classification Sherloc (09022015). Collection method: clinical testing. Allele origin: germline.

Revvity Omics, Revvity
Classification: Uncertain significance. Last evaluated: 2023-06-12. Review status: criteria provided, single submitter. Criteria: ACMG Guidelines, 2015. Collection method: clinical testing. Allele origin: germline.

New York Genome Center
Classification: Uncertain significance for Muscular dystrophy, limb-girdle, autosomal recessive 23; Merosin deficient congenital muscular dystrophy. Last evaluated: 2021-06-22. Review status: criteria provided, single submitter. Criteria: NYGC Assertion Criteria 2020. Collection method: clinical testing. Allele origin: germline. Observed: 1 variant allele. Study: CSER-NYCKidSeq.
Comment: The heterozygous c.8570A>G (p.Gln2857Arg) missense variant identified in the LAMA2 gene has not been reported in affected individuals in the literature. The variant has 0.00005914 allele frequency in the gnomAD(v3) database (9 out of 152182 heterozygous alleles, no homozygotes) suggesting it is not acommon benign variant in the populations represented in that database. The variant affects an evolutionarily conserved residue. In silico tools provide conflicting predictions about potential pathogenicity of this variant (CADD score = 24.3, REVEL score = 0.373). Based on the available evidence, the heterozygous c.8570A>G(p.Gln2857Arg) missense variant identified in the LAMA2 gene is reported as a variant of uncertain significance.